The following is an entry in ClinVar:

ClinVar aggregate classification (germline): Uncertain significance (1 of 4 stars; one submission).

Submission:

Quest Diagnostics Nichols Institute San Juan Capistrano
Classification: Uncertain significance. Last evaluated: 2024-11-08. Review status: criteria provided, single submitter. Criteria: Quest Diagnostics criteria. Collection method: clinical testing. Allele origin: unknown.
Comment: The AXIN2 c.395A>C (p.Lys132Thr) variant has not been reported in individuals with AXIN2-related conditions in the published literature. It also has not been reported in large, multi-ethnic general populations (Genome Aggregation Database). Analysis of this variant using bioinformatics tools for the prediction of the effect of amino acid changes on protein structure and function yielded predictions that this variant is damaging. Based on the available information, we are unable to determine the clinical significance of this variant.

NM_004655.4(AXIN2):c.395A>C (p.Lys132Thr)

Gene: AXIN2 (axin 2; minus strand). Cytogenetic location: 17q24.1.
Variant type: single nucleotide variant.
Coding change: c.395A>C on transcript NM_004655.4 (MANE Select); coding-DNA position 395, A replaced by C.
Protein change: p.Lys132Thr; replaces lysine 132 with threonine.
Molecular consequence: missense variant.
Genome position (GRCh38, 1-based): chr17:65,558,226, T>G on the plus strand (A>C on the coding strand, the complement: AXIN2 is on the minus strand). VCF-style: chr17-65558226-T-G. GRCh37 (hg19) VCF-style: chr17-63554344-T-G.
Other names: c.395A>C, p.Lys132Thr (NM_001363813.1); short protein forms K132T.
Identifiers: ClinVar variation 3572237 (VCV003572237.1).